The following is an entry in ClinVar:

ClinVar aggregate classification (germline): Conflicting classifications of pathogenicity. Review status: criteria provided, conflicting classifications (1 of 4 stars). 3 submissions from 3 submitters: Uncertain significance (1); Benign (1); Likely benign (1). Last evaluated 2024-04-01.

Conditions:
Long QT syndrome (LQTS). Identifiers: MedGen C0023976, MeSH D008133, MONDO:0002442. Disease mechanism: loss of function. Inheritance: Various modes of inheritance.
Cardiovascular phenotype. Identifiers: MedGen CN230736.

Allele frequency attached by ClinVar (database versions not stated): gnomAD 0.00001; gnomAD exomes 0.00001 and 0.00003; TOPMed 0.00002; ExAC 0.00011.
gnomAD v4.1: 11 of 1,601,258 alleles (0.00069%); highest among the groups gnomAD compares: East Asian, 0.0023%; no homozygotes.

Submissions (3):

Ambry Genetics
Classification: Benign for Cardiovascular phenotype. Last evaluated: 2024-04-01. Review status: criteria provided, single submitter. Criteria: Ambry Variant Classification Scheme 2023. Collection method: clinical testing. Allele origin: germline.

Labcorp Genetics (formerly Invitae), Labcorp
Classification: Uncertain significance for Long QT syndrome. Last evaluated: 2024-03-21. Review status: criteria provided, single submitter. Criteria: Invitae Variant Classification Sherloc (09022015). Collection method: clinical testing. Allele origin: germline.
Comment: This sequence change replaces aspartic acid, which is acidic and polar, with asparagine, which is neutral and polar, at codon 2079 of the CACNA1C protein (p.Asp2079Asn). This variant is present in population databases (rs759579854, gnomAD 0.007%). This variant has not been reported in the literature in individuals affected with CACNA1C-related conditions. ClinVar contains an entry for this variant (Variation ID: 580715). Advanced modeling of protein sequence and biophysical properties (such as structural, functional, and spatial information, amino acid conservation, physicochemical variation, residue mobility, and thermodynamic stability) performed at Invitae indicates that this missense variant is not expected to disrupt CACNA1C protein function with a negative predictive value of 95%. In summary, the available evidence is currently insufficient to determine the role of this variant in disease. Therefore, it has been classified as a Variant of Uncertain Significance.

Blueprint Genetics
Classification: Likely benign. Last evaluated: 2022-01-12. Review status: criteria provided, single submitter. Criteria: ACMG Guidelines, 2015. Collection method: clinical testing. Allele origin: germline.

NM_000719.7(CACNA1C):c.6235G>A (p.Asp2079Asn)

Genes: CACNA1C (calcium voltage-gated channel subunit alpha1 C; plus strand), CACNA1C-AS1 (CACNA1C antisense RNA 1; minus strand). Cytogenetic location: 12p13.33.
Variant type: single nucleotide variant.
Coding change: c.6235G>A on transcript NM_000719.7 (MANE Select); coding-DNA position 6235, G replaced by A.
Protein change: p.Asp2079Asn; replaces aspartic acid 2079 with asparagine.
Molecular consequence: missense variant.
Genome position (GRCh38, 1-based): chr12:2,691,017, G>A. VCF-style: chr12-2691017-G-A. GRCh37 (hg19) VCF-style: chr12-2800183-G-A.
Other names: c.6379G>A, p.Asp2127Asn (NM_001129827.2); c.6358G>A, p.Asp2120Asn (NM_001129829.2); c.6340G>A, p.Asp2114Asn (NM_001129830.3, NM_001167624.3); c.6319G>A, p.Asp2107Asn (NM_001129831.2); c.6295G>A, p.Asp2099Asn (NM_001129832.2); c.6292G>A, p.Asp2098Asn (NM_001129833.2, NM_001129834.2, NM_001129835.2); c.6286G>A, p.Asp2096Asn (NM_001129836.2); c.6259G>A, p.Asp2087Asn (NM_001129837.2, NM_001129838.2); and 6 more; short protein forms D2127N, D2079N, D2114N, D2085N, D2096N, D2099N, D2120N, D2068N.
Identifiers: ClinVar variation 580715 (VCV000580715.13), dbSNP rs759579854, ClinGen allele CA6390110.